The following is an entry in ClinVar:

ClinVar aggregate classification (germline): Uncertain significance. Review status: criteria provided, multiple submitters, no conflicts (2 of 4 stars). 2 submissions from 2 submitters: Uncertain significance (2). Last evaluated 2024-07-03.

Conditions:
Anterior segment dysgenesis. Also called: Ocular anterior segment dysgenesis. Identifiers: Orphanet 88632, MedGen C1862839, MONDO:0019503, HP:0007700.
Congenital primary aphakia. Also called: ANTERIOR SEGMENT DYSGENESIS 2; Anterior segment dysgenesis 2, multiple subtypes. Identifiers: Orphanet 83461, MedGen C1853230, MONDO:0012456, OMIM 610256.

gnomAD v4.1: 2 of 1,352,102 alleles (0.00015%); highest among the groups gnomAD compares: Non-Finnish European, 0.00019%; no homozygotes.

Submissions (2):

Labcorp Genetics (formerly Invitae), Labcorp
Classification: Uncertain significance for Anterior segment dysgenesis; Congenital primary aphakia. Last evaluated: 2024-07-03. Review status: criteria provided, single submitter. Criteria: Invitae Variant Classification Sherloc (09022015). Collection method: clinical testing. Allele origin: germline.
Comment: This sequence change replaces leucine, which is neutral and non-polar, with isoleucine, which is neutral and non-polar, at codon 229 of the FOXE3 protein (p.Leu229Ile). This variant is not present in population databases (gnomAD no frequency). This variant has not been reported in the literature in individuals affected with FOXE3-related conditions. ClinVar contains an entry for this variant (Variation ID: 1675365). Advanced modeling of protein sequence and biophysical properties (such as structural, functional, and spatial information, amino acid conservation, physicochemical variation, residue mobility, and thermodynamic stability) performed at Invitae indicates that this missense variant is not expected to disrupt FOXE3 protein function with a negative predictive value of 80%. In summary, the available evidence is currently insufficient to determine the role of this variant in disease. Therefore, it has been classified as a Variant of Uncertain Significance.

CeGaT Center for Human Genetics Tuebingen
Classification: Uncertain significance. Last evaluated: 2022-03-01. Review status: criteria provided, single submitter. Criteria: CeGaT Center For Human Genetics Tuebingen Variant Classification Criteria Version 2. Collection method: clinical testing. Allele origin: germline. Affected: yes. Observed: 1 variant allele.
Comment: FOXE3: PM2, PP3

NM_012186.3(FOXE3):c.685C>A (p.Leu229Ile)

Genes: FOXE3 (forkhead box E3; plus strand), LINC01389 (long independently transcribed non-coding RNA 1389; minus strand). Cytogenetic location: 1p33.
Variant type: single nucleotide variant.
Coding change: c.685C>A on transcript NM_012186.3 (MANE Select); coding-DNA position 685, C replaced by A.
Protein change: p.Leu229Ile; replaces leucine 229 with isoleucine.
Molecular consequence: missense variant.
Genome position (GRCh38, 1-based): chr1:47,417,000, C>A. VCF-style: chr1-47417000-C-A. GRCh37 (hg19) VCF-style: chr1-47882672-C-A.
Other names: short protein forms L229I.
Identifiers: ClinVar variation 1675365 (VCV001675365.38), dbSNP rs2124043930, ClinGen allele CA340250493.